The following is an entry in ClinVar:

NM_000202.8(IDS):c.309C>A (p.Tyr103Ter)

Gene: IDS (iduronate 2-sulfatase; minus strand). Cytogenetic location: Xq28.
Variant type: single nucleotide variant.
Coding change: c.309C>A on transcript NM_000202.8 (MANE Select); coding-DNA position 309, C replaced by A.
Protein change: p.Tyr103Ter; replaces tyrosine 103 with a stop codon.
Molecular consequence: nonsense. On other transcripts: non-coding transcript variant (1).
Genome position (GRCh38, 1-based): chrX:149,503,421, G>T on the plus strand (C>A on the coding strand, the complement: IDS is on the minus strand). VCF-style: chrX-149503421-G-T. GRCh37 (hg19) VCF-style: chrX-148584951-G-T.
Other names: c.39C>A, p.Tyr13Ter (NM_001166550.4); c.309C>A, p.Tyr103Ter (NM_006123.5); short protein forms Y103*, Y13*.
Identifiers: ClinVar variation 2429393 (VCV002429393.5), dbSNP rs1174495581, ClinGen allele CA414526483.

ClinVar aggregate classification (germline): Pathogenic. Review status: criteria provided, multiple submitters, no conflicts (2 of 4 stars). 2 submissions from 2 submitters: Pathogenic (2). Last evaluated 2024-06-07.

Conditions:
Mucopolysaccharidosis, MPS-II (MPS2). Also called: Attenuated MPS (subtype; formerly known as mild MPS II); Severe MPS II; I2S deficiency; MPS 2; Hunter Syndrome; Mucopolysaccharidosis with skin involvement. Identifiers: Orphanet 580, Orphanet 79388, MedGen C0026705, MONDO:0010674, OMIM 309900.

Submissions (2):

Laboratory of Diagnosis and Therapy of Lysosomal Disorders, University of Padova
Classification: Pathogenic for Mucopolysaccharidosis, MPS-II. Last evaluated: 2024-06-07. Review status: criteria provided, single submitter. Criteria: ACMG Guidelines, 2015. Collection method: literature only. Allele origin: germline. Affected: yes. Observed: 3 variant alleles.
Comment: Null variant (PVS1_VeryStrong), Absent from controls (or at low frequency) in gnomAD database (PM2_Moderate), Patient’s phenotype or family history highly specific for the disease (PP4_Strong)

Classification method: ACMG Guidelines [PMID:25741868] with modifications

Illumina Laboratory Services, Illumina
Classification: Pathogenic. Last evaluated: 2022-10-17. Review status: criteria provided, single submitter. Criteria: ICSL CNVClassificationCriteria Aug2020. Collection method: clinical testing. Allele origin: unknown. Affected: yes.
Comment: The IDS c.309C>A (p.Tyr103Ter) nonsense variant results in the substitution of tyrosine at amino acid position 103 with a stop codon. Loss of normal protein function through either protein truncation or nonsense-mediated mRNA decay is expected. The same amino acid change, p.Tyr103Ter, has been reported in at least 4 males with intermediate mucopolysaccharidosis (MPS) II phenotypes, and has also been attributed to a different nucleotide change at the same position, c.309C>G (p.Tyr103Ter), at least once (PMID: 10671065; PMID: 10738003; PMID: 24125893). Notably, the p.Tyr103Ter is reported to be among a minority of loss of function variants often associated with intermediate or attenuated MPS II phenotypes, which may be due to alternate splicing (PMID: 10738003; PMID: 32775211). This variant is not found in version 2.1.1 or version 3.1.2 of the Genome Aggregation Database. Based on the available evidence, the c.309C>A (p.Tyr103Ter) variant is classified as pathogenic for mucopolysaccharidosis type II.

Literature cited by the submitters: PubMed 10671065 (cited by Laboratory of Diagnosis and Therapy of Lysosomal Disorders, University of Padova and Illumina Laboratory Services, Illumina); PubMed 36713083 (cited by Laboratory of Diagnosis and Therapy of Lysosomal Disorders, University of Padova); PubMed 36945845 (cited by Laboratory of Diagnosis and Therapy of Lysosomal Disorders, University of Padova); PubMed 24125893 (cited by Illumina Laboratory Services, Illumina); PubMed 10738003 (cited by Illumina Laboratory Services, Illumina); PubMed 32775211 (cited by Illumina Laboratory Services, Illumina).